The following is an entry in ClinVar:

NM_001382273.1(TNK2):c.1564C>T (p.Pro522Ser)

Gene: TNK2 (tyrosine kinase non receptor 2; minus strand). Cytogenetic location: 3q29.
Variant type: single nucleotide variant.
Coding change: c.1564C>T on transcript NM_001382273.1 (MANE Select); coding-DNA position 1564, C replaced by T.
Protein change: p.Pro522Ser; replaces proline 522 with serine.
Molecular consequence: missense variant. On other transcripts: non-coding transcript variant (6), intron variant (15).
Genome position (GRCh38, 1-based): chr3:195,869,521, G>A on the plus strand (C>T on the coding strand, the complement: TNK2 is on the minus strand). VCF-style: chr3-195869521-G-A. GRCh37 (hg19) VCF-style: chr3-195596392-G-A.
Other names: c.1636C>T, p.Pro546Ser (NM_001010938.2, NM_001382272.1); c.1564C>T, p.Pro522Ser (NM_001382274.1, NM_001387716.1, NM_001387717.1 and 1 more transcripts); c.1660C>T, p.Pro554Ser (NM_001382275.1, NM_001387707.1); c.1543+593C>T (NM_001387720.1, NM_005781.5, NM_001386164.1 and 8 more transcripts); c.1615+593C>T (NM_001387715.1, NM_001387708.1); c.1639+593C>T (NM_001308046.2, NM_001382271.1); short protein forms P554S, P522S, P546S.
Identifiers: ClinVar variation 2190992 (VCV002190992.4), dbSNP rs906607670, ClinGen allele CA90753810.
Genomic context (GRCh38, chr3:195,869,521, plus strand): 5'-GGCGGGGGCCAAGGCATCGGAAGCAGCCCCACTTACTCTGAGTGAAGAAGGCAGGCTGAG[G>A]TGGGCGAGGTGGAGGCTCCCCTGCAAGAAAGGCCATGCGGACAGGGGGAGAGAGACGGAG-3'
Protein context (NP_001369202.1, residues 512-532): GVKREPPPRP[Pro522Ser]QPAFFTQKPT

ClinVar aggregate classification (germline): Uncertain significance (1 of 4 stars; one submission).

Allele frequency attached by ClinVar (database versions not stated): gnomAD exomes 0.00003; TOPMed 0.00004.
gnomAD v4.1: 46 of 1,551,118 alleles (0.003%); highest among the groups gnomAD compares: Admixed American, 0.0078%; no homozygotes.

Submission:

Labcorp Genetics (formerly Invitae), Labcorp
Classification: Uncertain significance. Last evaluated: 2024-08-14. Review status: criteria provided, single submitter. Criteria: Invitae Variant Classification Sherloc (09022015). Collection method: clinical testing. Allele origin: germline.
Comment: This sequence change replaces proline, which is neutral and non-polar, with serine, which is neutral and polar, at codon 585 of the TNK2 protein (p.Pro585Ser). This variant is present in population databases (no rsID available, gnomAD 0.008%). This variant has not been reported in the literature in individuals affected with TNK2-related conditions. ClinVar contains an entry for this variant (Variation ID: 2190992). An algorithm developed to predict the effect of missense changes on protein structure and function (PolyPhen-2) suggests that this variant is likely to be disruptive. In summary, the available evidence is currently insufficient to determine the role of this variant in disease. Therefore, it has been classified as a Variant of Uncertain Significance.